The following is an entry in ClinVar:

ClinVar aggregate classification (germline): Likely benign (0 of 4 stars; one submission).

Conditions:
PKD1-related disorder. Also called: PKD1-related condition.

Allele frequency attached by ClinVar (database versions not stated): gnomAD exomes 0.00003; TOPMed 0.00003; ExAC 0.00004; gnomAD 0.00004.
gnomAD v4.1: 39 of 1,455,738 alleles (0.0027%); highest among the groups gnomAD compares: African/African-American, 0.0045%; no homozygotes.

Submission:

PreventionGenetics, part of Exact Sciences
Classification: Likely benign for PKD1-related condition. Last evaluated: 2024-01-10. Review status: no assertion criteria provided. Collection method: clinical testing. Allele origin: germline.
Comment: This variant is classified as likely benign based on ACMG/AMP sequence variant interpretation guidelines (Richards et al. 2015 PMID: 25741868, with internal and published modifications).

NM_001009944.3(PKD1):c.7194C>T (p.Ser2398=)

Gene: PKD1 (polycystin 1, transient receptor potential channel interacting; minus strand). Cytogenetic location: 16p13.3.
Variant type: single nucleotide variant.
Coding change: c.7194C>T on transcript NM_001009944.3 (MANE Select); coding-DNA position 7194, C replaced by T.
Protein change: p.Ser2398=; no amino-acid change (serine 2398 retained).
Molecular consequence: synonymous variant.
Genome position (GRCh38, 1-based): chr16:2,106,820, G>A on the plus strand (C>T on the coding strand, the complement: PKD1 is on the minus strand). VCF-style: chr16-2106820-G-A. GRCh37 (hg19) VCF-style: chr16-2156821-G-A.
Other names: c.7194C>T, p.Ser2398= (NM_000296.4).
Identifiers: ClinVar variation 3037920 (VCV003037920.2), dbSNP rs746144560, ClinGen allele CA7831260.